The following is an entry in ClinVar:

ClinVar aggregate classification (germline): Conflicting classifications of pathogenicity. Review status: criteria provided, conflicting classifications (1 of 4 stars). 2 submissions from 2 submitters: Likely pathogenic (1); Uncertain significance (1). Last evaluated 2024-04-04.

Conditions:
Pierpont syndrome (PRPTS). Identifiers: Orphanet 487825, MedGen C1865644, MONDO:0011213, OMIM 602342.
Intellectual developmental disorder, autosomal dominant 41. Also called: Intellectual disability, autosomal dominant 41. Identifiers: Orphanet 2823, MedGen C4310784, MONDO:0014842, OMIM 616944.

Submissions (2):

Clinical Genomics Laboratory, Washington University in St. Louis
Classification: Likely pathogenic for Pierpont syndrome; Intellectual developmental disorder, autosomal dominant 41. Last evaluated: 2024-04-04. Review status: criteria provided, single submitter. Criteria: ACMG Guidelines, 2015. Collection method: clinical testing. Allele origin: germline. Affected: yes.
Comment: The TBL1XR1 c.977G>A (p.Ser326Asn) variant has been reported as occurring de novo in one individual affected individual with Pierpont syndrome (Tamma PL et al., 36843287). Two variants in the same codon have been reported in affected individuals with Pierpont or intellectual developmental disorder, including c.977G>T (p.Ser326Ile) (ClinVar Variation ID: 431083) and c.976A>C (p.Ser326Arg) (Dillion OJ et al., PMID: 29453417). This variant is absent from the general population (gnomAD v.2.1.1), indicating it is not a common variant. Computational predictors indicate that the variant is damaging, evidence that correlates with impact to TBL1XR1 function. This variant has been reported in the ClinVar database as a germline variant of uncertain significance by one submitter. Based on available information and the ACMG/AMP guidelines for variant interpretation (Richards S et al., PMID: 25741868), this variant is classified as likely pathogenic.

Labcorp Genetics (formerly Invitae), Labcorp
Classification: Uncertain significance for Pierpont syndrome. Last evaluated: 2022-09-22. Review status: criteria provided, single submitter. Criteria: Invitae Variant Classification Sherloc (09022015). Collection method: clinical testing. Allele origin: germline.
Comment: This missense change has been observed in individual(s) with TBL1XR1-related conditions (PMID: 32369273). This sequence change replaces serine, which is neutral and polar, with asparagine, which is neutral and polar, at codon 326 of the TBL1XR1 protein (p.Ser326Asn). This variant is not present in population databases (gnomAD no frequency). Advanced modeling of protein sequence and biophysical properties (such as structural, functional, and spatial information, amino acid conservation, physicochemical variation, residue mobility, and thermodynamic stability) performed at Invitae indicates that this missense variant is expected to disrupt TBL1XR1 protein function. In summary, the available evidence is currently insufficient to determine the role of this variant in disease. Therefore, it has been classified as a Variant of Uncertain Significance.

Literature cited by the submitters: PubMed 32369273 (cited by Labcorp Genetics (formerly Invitae), Labcorp).

NM_024665.7(TBL1XR1):c.977G>A (p.Ser326Asn)

Genes: TBL1XR1 (TBL1X/Y related 1; minus strand), TBL1XR1-AS1 (TBL1XR1 antisense RNA 1; plus strand), LOC126806878 (CDK7 strongly-dependent group 2 enhancer GRCh37_chr3:176755168-176756367; plus strand). Cytogenetic location: 3q26.32.
Variant type: single nucleotide variant.
Coding change: c.977G>A on transcript NM_024665.7 (MANE Select); coding-DNA position 977, G replaced by A.
Protein change: p.Ser326Asn; replaces serine 326 with asparagine.
Molecular consequence: missense variant. On other transcripts: non-coding transcript variant (1).
Genome position (GRCh38, 1-based): chr3:177,038,383, C>T on the plus strand (G>A on the coding strand, the complement: TBL1XR1 is on the minus strand). VCF-style: chr3-177038383-C-T. GRCh37 (hg19) VCF-style: chr3-176756171-C-T.
Other names: c.977G>A, p.Ser326Asn (NM_001321193.3, NM_001321194.3, NM_001374327.1 and 2 more transcripts); c.716G>A, p.Ser239Asn (NM_001321195.3, NM_001374330.1); short protein forms S239N, S326N.
Identifiers: ClinVar variation 1929355 (VCV001929355.6), dbSNP rs1135401760, ClinGen allele CA355555390.